The following is an entry in ClinVar:

ClinVar aggregate classification (germline): Likely pathogenic (1 of 4 stars; one submission).

Conditions:
Dent disease type 1 (DENT1). Also called: NEPHROLITHIASIS 2; NEPHROLITHIASIS, HYPERCALCIURIC, X-LINKED. Identifiers: Orphanet 1652, Orphanet 93622, MedGen C1848336, MONDO:0010225, OMIM 300009.

Submission:

Victorian Clinical Genetics Services, Murdoch Childrens Research Institute
Classification: Likely pathogenic for Dent disease type 1. Last evaluated: 2025-10-01. Review status: criteria provided, single submitter. Criteria: ACMG Guidelines, 2015. Collection method: clinical testing. Allele origin: germline. Affected: yes.
Comment: This variant is classified as Likely pathogenic. Evidence in support of pathogenic classification: Canonical splice site variant without proven consequence on splicing (no functional evidence available); Variant is absent from gnomAD (v2, v3 and v4); Abnormal splicing is predicted by in silico tool and affected nucleotide is highly conserved. Additional information: This variant is hemizygous; This gene is associated with X-linked recessive disease. Dent disease 1 (MIM#300009) is now the generally accepted name for a group of hereditary tubular disorders including X-linked recessive nephrolithiasis type I (MIM#310468), hypophosphataemic rickets (MIM#300554), and low molecular weight proteinuria with hypercalciuric nephrocalcinosis (MIM#308990) (PMID: 12637640). Dent disease 1 (MIM#300009) mainly affects males; however, female carriers may manifest a milder phenotype (PMID: 28580211); Previous evidence of pathogenicity for this variant is inconclusive. The variant has been reported once as pathogenic in LOVD with no further details. - No published evidence of segregation with disease has been identified for this variant; No published functional evidence has been identified for this variant; No comparable splice variants at this canonical splice site have previous evidence for pathogenicity; Loss of function is a known mechanism of disease in this gene and is associated with Dent disease 1 (MIM#300009); Variants in this gene are known to have variable expressivity. The phenotype can be variable within and between families (PMID: 28580211); Inheritance information for this variant is not currently available in this individual.

Literature cited by the submitters: PubMed 28580211; PubMed 12637640.

NM_001127898.4(CLCN5):c.2144-2A>G

Genes: CLCN5 (Cl-/H+ antiporter 5; plus strand), LOC126863258 (BRD4-independent group 4 enhancer GRCh37_chrX:49854497-49855696; plus strand). Cytogenetic location: Xp11.23.
Variant type: single nucleotide variant.
Coding change: c.2144-2A>G on transcript NM_001127898.4 (MANE Select); the canonical splice acceptor site of the intron before coding-DNA position 2144, A replaced by G.
Molecular consequence: splice acceptor variant.
Genome position (GRCh38, 1-based): chrX:50,090,668, A>G. VCF-style: chrX-50090668-A-G. GRCh37 (hg19) VCF-style: chrX-49855325-A-G.
Other names: c.2156-2A>G (NM_001440757.1, NM_001440756.1); c.2144-2A>G (NM_001127899.4); c.1934-2A>G (NM_000084.5); c.1994-2A>G (NM_001282163.2).
Identifiers: ClinVar variation 4531327 (VCV004531327.1).